The following is an entry in ClinVar:

ClinVar aggregate classification (germline): Uncertain significance (1 of 4 stars; one submission).

Conditions:
Adams-Oliver syndrome 5 (AOS5). Identifiers: Orphanet 974, MedGen C4014970, MONDO:0014459, OMIM 616028.

gnomAD v4.1: 2 of 1,611,656 alleles (0.00012%); highest among the groups gnomAD compares: Non-Finnish European, 0.00017%; no homozygotes.

Submission:

Labcorp Genetics (formerly Invitae), Labcorp
Classification: Uncertain significance for Adams-Oliver syndrome 5. Last evaluated: 2023-03-26. Review status: criteria provided, single submitter. Criteria: Invitae Variant Classification Sherloc (09022015). Collection method: clinical testing. Allele origin: germline.
Comment: This variant is not present in population databases (gnomAD no frequency). In summary, the available evidence is currently insufficient to determine the role of this variant in disease. Therefore, it has been classified as a Variant of Uncertain Significance. Advanced modeling of protein sequence and biophysical properties (such as structural, functional, and spatial information, amino acid conservation, physicochemical variation, residue mobility, and thermodynamic stability) performed at Invitae indicates that this missense variant is not expected to disrupt NOTCH1 protein function. This variant has not been reported in the literature in individuals affected with NOTCH1-related conditions. This sequence change replaces asparagine, which is neutral and polar, with isoleucine, which is neutral and non-polar, at codon 793 of the NOTCH1 protein (p.Asn793Ile).

NM_017617.5(NOTCH1):c.2378A>T (p.Asn793Ile)

Gene: NOTCH1 (notch receptor 1; minus strand). Cytogenetic location: 9q34.3.
Variant type: single nucleotide variant.
Coding change: c.2378A>T on transcript NM_017617.5 (MANE Select); coding-DNA position 2378, A replaced by T.
Protein change: p.Asn793Ile; replaces asparagine 793 with isoleucine.
Molecular consequence: missense variant.
Genome position (GRCh38, 1-based): chr9:136,513,110, T>A on the plus strand (A>T on the coding strand, the complement: NOTCH1 is on the minus strand). VCF-style: chr9-136513110-T-A. GRCh37 (hg19) VCF-style: chr9-139407562-T-A.
Other names: short protein forms N793I.
Identifiers: ClinVar variation 2818875 (VCV002818875.3), dbSNP rs1255941144, ClinGen allele CA375556718.
Genomic context (GRCh38, chr9:136,513,110, plus strand): 5'-TACCCGGCAACGTCGTCAATACACGTGCCCTGGTTCAGACATGGGTTGGACGCACACTCG[T>A]TGATGTTGGTCTGGCAGTTGGGACCTGGAGGGAAGGGGACAGCACTCGGCATGTCCAGCA-3'
Protein context (NP_060087.3, residues 783-803): FSGPNCQTNI[Asn793Ile]ECASNPCLNQ